The following is an entry in ClinVar:

ClinVar aggregate classification (germline): Likely benign (1 of 4 stars; one submission).

Conditions:
MHC class II deficiency. Also called: Bare lymphocyte syndrome 2; BLS, TYPE II. Identifiers: Orphanet 572, MedGen C5447452, MONDO:0008855.

Allele frequency attached by ClinVar (database versions not stated): 1000 Genomes Project 0.00220; gnomAD 0.00036 and 0.00031; 1000 Genomes Project 30x 0.00219; gnomAD exomes 0.00045; TOPMed 0.00062.
gnomAD v4.1: 404 of 860,314 alleles (0.047%); highest among the groups gnomAD compares: East Asian, 0.88%; 1 homozygote.

Submission:

Illumina Laboratory Services, Illumina
Classification: Likely benign for MHC class II deficiency 1. Last evaluated: 2018-01-13. Review status: criteria provided, single submitter. Criteria: ICSL Variant Classification Criteria 13 December 2019. Collection method: clinical testing. Allele origin: germline.
Comment: This variant was observed in the ICSL laboratory as part of a predisposition screen in an ostensibly healthy population. It had not been previously curated by ICSL or reported in the Human Gene Mutation Database (HGMD: prior to June 1st, 2018), and was therefore a candidate for classification through an automated scoring system. Utilizing variant allele frequency, disease prevalence and penetrance estimates, and inheritance mode, an automated score was calculated to assess if this variant is too frequent to cause the disease. Based on the score and internal cut-off values, a variant classified as likely benign is not then subjected to further curation. The score for this variant resulted in a classification of likely benign for this disease.

NM_000246.4(CIITA):c.-115T>G

Gene: CIITA (class II major histocompatibility complex transactivator; plus strand). Cytogenetic location: 16p13.13.
Variant type: single nucleotide variant.
Coding change: c.-115T>G on transcript NM_000246.4 (MANE Select); 115 bases upstream of the start codon, T replaced by G.
Molecular consequence: 5 prime UTR variant. On other transcripts: non-coding transcript variant (1).
Genome position (GRCh38, 1-based): chr16:10,877,216, T>G. VCF-style: chr16-10877216-T-G. GRCh37 (hg19) VCF-style: chr16-10971073-T-G.
Other names: c.-115T>G (NM_001286402.1, NM_001286403.2, NM_001379330.1 and 3 more transcripts).
Identifiers: ClinVar variation 317671 (VCV000317671.5), dbSNP rs189636033, ClinGen allele CA10646918.
Genomic context (GRCh38, chr16:10,877,216, plus strand): 5'-TTTGCATGTTGGCTTAGCTTGGCGGGCTCCCAACTGGTGACTGGTTAGTGATGAGGCTAG[T>G]GATGAGGCTGTGTGCTTCTGAGCTGGGCATCCGAAGGCATCCTTGGGGAAGCTGAGGGCA-3'